The following is an entry in ClinVar:

ClinVar aggregate classification (germline): Uncertain significance (1 of 4 stars; one submission).

Conditions:
Very long chain acyl-CoA dehydrogenase deficiency (ACADVLD). Also called: VLCAD Deficiency; Very Long-Chain Acyl-Coenzyme A Dehydrogenase Deficiency. Identifiers: Orphanet 26793, MedGen C3887523, MONDO:0008723, OMIM 201475.

gnomAD v4.1: 1 of 1,614,008 alleles (0.000062%); highest among the groups gnomAD compares: Non-Finnish European, 0.000085%; no homozygotes.

Submission:

Labcorp Genetics (formerly Invitae), Labcorp
Classification: Uncertain significance for Very long chain acyl-CoA dehydrogenase deficiency. Last evaluated: 2025-06-09. Review status: criteria provided, single submitter. Criteria: Invitae Variant Classification Sherloc (09022015). Collection method: clinical testing. Allele origin: germline.
Comment: This sequence change replaces asparagine, which is neutral and polar, with lysine, which is basic and polar, at codon 493 of the ACADVL protein (p.Asn493Lys). This variant is not present in population databases (gnomAD no frequency). This variant has not been reported in the literature in individuals affected with ACADVL-related conditions. Invitae Evidence Modeling of protein sequence and biophysical properties (such as structural, functional, and spatial information, amino acid conservation, physicochemical variation, residue mobility, and thermodynamic stability) indicates that this missense variant is not expected to disrupt ACADVL protein function with a negative predictive value of 80%. In summary, the available evidence is currently insufficient to determine the role of this variant in disease. Therefore, it has been classified as a Variant of Uncertain Significance.

NM_000018.4(ACADVL):c.1479T>A (p.Asn493Lys)

Gene: ACADVL (acyl-CoA dehydrogenase very long chain; plus strand). Cytogenetic location: 17p13.1.
Variant type: single nucleotide variant.
Coding change: c.1479T>A on transcript NM_000018.4 (MANE Select); coding-DNA position 1479, T replaced by A.
Protein change: p.Asn493Lys; replaces asparagine 493 with lysine.
Molecular consequence: missense variant.
Genome position (GRCh38, 1-based): chr17:7,224,190, T>A. VCF-style: chr17-7224190-T-A. GRCh37 (hg19) VCF-style: chr17-7127509-T-A.
Other names: c.1413T>A, p.Asn471Lys (NM_001033859.3); c.1548T>A, p.Asn516Lys (NM_001270447.2); c.1251T>A, p.Asn417Lys (NM_001270448.2); short protein forms N417K, N471K, N493K, N516K.
Identifiers: ClinVar variation 4811768 (VCV004811768.1).